The following is an entry in ClinVar:

NM_000088.4(COL1A1):c.697-1G>C

Genes: COL1A1 (collagen type I alpha 1 chain; minus strand), LOC126862586 (CDK7 strongly-dependent group 2 enhancer GRCh37_chr17:48273702-48274901; plus strand). Cytogenetic location: 17q21.33.
Variant type: single nucleotide variant.
Coding change: c.697-1G>C on transcript NM_000088.4 (MANE Select); the canonical splice acceptor site of the intron before coding-DNA position 697, G replaced by C.
Molecular consequence: splice acceptor variant.
Genome position (GRCh38, 1-based): chr17:50,197,234, C>G on the plus strand (G>C on the coding strand, the complement: COL1A1 is on the minus strand). VCF-style: chr17-50197234-C-G. GRCh37 (hg19) VCF-style: chr17-48274595-C-G.
Identifiers: ClinVar variation 580224 (VCV000580224.5), dbSNP rs67163049, ClinGen allele CA400224345.

ClinVar aggregate classification (germline): Pathogenic. Review status: criteria provided, multiple submitters, no conflicts (2 of 4 stars). 3 submissions from 3 submitters: Pathogenic (3). Last evaluated 2025-03-14.

Conditions:
Osteogenesis imperfecta type I (OI1). Also called: Lobstein disease; Osteogenesis imperfecta type 1; OI, TYPE I; OSTEOGENESIS IMPERFECTA TARDA; OSTEOGENESIS IMPERFECTA WITH BLUE SCLERAE; Lobstein's Disease. Identifiers: Orphanet 216796, Orphanet 666, MedGen C0023931, MONDO:0008146, OMIM 166200. Disease mechanism: loss of function.
Osteogenesis imperfecta, perinatal lethal (OI2). Also called: Osteogenesis imperfecta type 2; OSTEOGENESIS IMPERFECTA, TYPE II; VROLIK TYPE OF OSTEOGENESIS IMPERFECTA; Osteogenesis imperfecta, dominant perinatal lethal; OI, TYPE II; OSTEOGENESIS IMPERFECTA CONGENITA. Identifiers: Orphanet 216804, MedGen C0268358, MONDO:0008147, OMIM 166210.

Submissions (3):

Variantyx, Inc.
Classification: Pathogenic for Osteogenesis imperfecta, perinatal lethal. Last evaluated: 2025-03-14. Review status: criteria provided, single submitter. Criteria: Variantyx Assertion Criteria 2022. Collection method: clinical testing. Allele origin: germline. Affected: yes.
Comment: This is a canonical splicing variant in the COL1A1 gene (OMIM: 120150). Pathogenic variants in this gene have been associated with autosomal dominant osteogenesis imperfecta type II. This variant has been reported in at least 2 affected individual(s) (PMID: 3393930, 24501682) (PS4_Supporting). This variant is absent from control populations (PM2_Supporting). Based on the current evidence, this variant is classified as pathogenic for autosomal dominant osteogenesis imperfecta type II.

GeneDx
Classification: Pathogenic. Last evaluated: 2020-10-21. Review status: criteria provided, single submitter. Criteria: GeneDx Variant Classification Process June 2021. Collection method: clinical testing. Allele origin: germline. Affected: yes.
Comment: Canonical splice site variant in a gene for which loss-of-function is a known mechanism of disease; Not observed in large population cohorts (Lek et al., 2016); This variant is associated with the following publications: (PMID: 24501682, 25963598, 25983617)

Labcorp Genetics (formerly Invitae), Labcorp
Classification: Pathogenic for Osteogenesis imperfecta type I. Last evaluated: 2018-05-24. Review status: criteria provided, single submitter. Criteria: Invitae Variant Classification Sherloc (09022015). Collection method: clinical testing. Allele origin: germline.
Comment: This sequence change affects an acceptor splice site in intron 9 of the COL1A1 gene. It is expected to disrupt RNA splicing and likely results in an absent or disrupted protein product. This variant is not present in population databases (ExAC no frequency). This variant has been observed in individuals affected with osteogenesis imperfecta (PMID: 24501682, 25963598, Invitae). Different variants affecting this nucleotide (c.697-1G>A and c.697-1G>T) have been determined to be pathogenic (PMID: 25963598, 27509835, 17078022). This suggests that this nucleotide is important for normal RNA splicing, and that other variants at this position may also be pathogenic. Donor and acceptor splice site variants typically lead to a loss of protein function (PMID: 16199547), and loss-of-function variants in COL1A1 are known to be pathogenic (PMID: 7942841, 9295084, 9443882). For these reasons, this variant has been classified as Pathogenic.

Literature cited by the submitters: PubMed 25963598 (cited by Labcorp Genetics (formerly Invitae), Labcorp); PubMed 9295084 (cited by Labcorp Genetics (formerly Invitae), Labcorp); PubMed 17078022 (cited by Labcorp Genetics (formerly Invitae), Labcorp); PubMed 7942841 (cited by Labcorp Genetics (formerly Invitae), Labcorp); PubMed 27509835 (cited by Labcorp Genetics (formerly Invitae), Labcorp); PubMed 24501682 (cited by Labcorp Genetics (formerly Invitae), Labcorp); PubMed 9443882 (cited by Labcorp Genetics (formerly Invitae), Labcorp).